The following is an entry in ClinVar:

NM_016034.5(MRPS2):c.776G>A (p.Arg259Gln)

Genes: MRPS2 (mitochondrial ribosomal protein S2; plus strand), LOC101928525 (uncharacterized LOC101928525; minus strand). Cytogenetic location: 9q34.3.
Variant type: single nucleotide variant.
Coding change: c.776G>A on transcript NM_016034.5 (MANE Select); coding-DNA position 776, G replaced by A.
Protein change: p.Arg259Gln; replaces arginine 259 with glutamine.
Molecular consequence: missense variant. On other transcripts: non-coding transcript variant (4).
Genome position (GRCh38, 1-based): chr9:135,504,018, G>A. VCF-style: chr9-135504018-G-A. GRCh37 (hg19) VCF-style: chr9-138395864-G-A.
Other names: c.776G>A, p.Arg259Gln (NM_001371401.1); c.776G>A (NM_016034.3, NM_016034.4); short protein forms R259Q.
Identifiers: ClinVar variation 2974886 (VCV002974886.5), dbSNP rs372172970, ClinGen allele CA5324026.

ClinVar aggregate classification (germline): Uncertain significance. Review status: criteria provided, multiple submitters, no conflicts (2 of 4 stars). 3 submissions from 3 submitters: Uncertain significance (3). Last evaluated 2025-06-18.

Conditions:
MRPS2-related disorder. Also called: MRPS2-related condition.

Allele frequency attached by ClinVar (database versions not stated): ExAC 0.00007.
gnomAD v4.1: 26 of 1,613,342 alleles (0.0016%); highest among the groups gnomAD compares: Middle Eastern, 0.016%; no homozygotes.

Submissions (3):

PreventionGenetics, part of Exact Sciences
Classification: Uncertain significance for MRPS2-related condition. Last evaluated: 2025-06-18. Review status: criteria provided, single submitter. Criteria: ACMG Guidelines, 2015. Collection method: clinical testing. Allele origin: germline.
Comment: The MRPS2 c.776G>A variant is predicted to result in the amino acid substitution p.Arg259Gln. To our knowledge, this variant has not been reported in the literature. This variant is reported in 0.022% of alleles in individuals of East Asian descent in gnomAD. At this time, the clinical significance of this variant is uncertain due to the absence of conclusive functional and genetic evidence.

Ambry Genetics
Classification: Uncertain significance. Last evaluated: 2024-02-27. Review status: criteria provided, single submitter. Criteria: Ambry Variant Classification Scheme 2023. Collection method: clinical testing. Allele origin: germline.

Labcorp Genetics (formerly Invitae), Labcorp
Classification: Uncertain significance. Last evaluated: 2022-11-06. Review status: criteria provided, single submitter. Criteria: Invitae Variant Classification Sherloc (09022015). Collection method: clinical testing. Allele origin: germline.
Comment: In summary, the available evidence is currently insufficient to determine the role of this variant in disease. Therefore, it has been classified as a Variant of Uncertain Significance. Advanced modeling of protein sequence and biophysical properties (such as structural, functional, and spatial information, amino acid conservation, physicochemical variation, residue mobility, and thermodynamic stability) performed at Invitae indicates that this missense variant is not expected to disrupt MRPS2 protein function. This variant has not been reported in the literature in individuals affected with MRPS2-related conditions. This variant is present in population databases (rs372172970, gnomAD 0.02%). This sequence change replaces arginine, which is basic and polar, with glutamine, which is neutral and polar, at codon 259 of the MRPS2 protein (p.Arg259Gln).